The following is an entry in ClinVar:

NM_016729.3(FOLR1):c.691G>A (p.Ala231Thr)

Genes: FOLR1-AS1 (FOLR1 antisense RNA 1; minus strand), FOLR1 (folate receptor alpha; plus strand). Cytogenetic location: 11q13.4.
Variant type: single nucleotide variant.
Coding change: c.691G>A on transcript NM_016729.3 (MANE Select); coding-DNA position 691, G replaced by A.
Protein change: p.Ala231Thr; replaces alanine 231 with threonine.
Molecular consequence: missense variant.
Genome position (GRCh38, 1-based): chr11:72,196,094, G>A. VCF-style: chr11-72196094-G-A. GRCh37 (hg19) VCF-style: chr11-71907138-G-A.
Other names: c.691G>A, p.Ala231Thr (NM_000802.3, NM_016724.3, NM_016725.3 and 1 more transcripts); short protein forms A231T.
Identifiers: ClinVar variation 1960237 (VCV001960237.5), dbSNP rs761852124, ClinGen allele CA6169248.

ClinVar aggregate classification (germline): Uncertain significance (1 of 4 stars; one submission).

Conditions:
Cerebral folate transport deficiency. Also called: FOLR1-Related Cerebral Folate Transport Deficiency; FOLATE RECEPTOR DEFICIENCY; Cerebral folate deficiency syndrome; NEURODEGENERATION DUE TO CEREBRAL FOLATE TRANSPORT DEFICIENCY; Neurodegenerative syndrome due to cerebral folate transport deficiency. Identifiers: Orphanet 217382, MedGen C2751584, MONDO:0013110, OMIM 613068. Disease mechanism: loss of function.

Allele frequency attached by ClinVar (database versions not stated): gnomAD exomes below 0.00001; ExAC 0.00001.
gnomAD v4.1: 2 of 1,614,202 alleles (0.00012%); highest among the groups gnomAD compares: Non-Finnish European, 0.00017%; no homozygotes.

Submission:

Labcorp Genetics (formerly Invitae), Labcorp
Classification: Uncertain significance for Cerebral folate transport deficiency. Last evaluated: 2022-02-20. Review status: criteria provided, single submitter. Criteria: Invitae Variant Classification Sherloc (09022015). Collection method: clinical testing. Allele origin: germline.
Comment: This sequence change replaces alanine, which is neutral and non-polar, with threonine, which is neutral and polar, at codon 231 of the FOLR1 protein (p.Ala231Thr). This variant is present in population databases (rs761852124, gnomAD 0.0009%). This variant has not been reported in the literature in individuals affected with FOLR1-related conditions. Algorithms developed to predict the effect of missense changes on protein structure and function are either unavailable or do not agree on the potential impact of this missense change (SIFT: "Tolerated"; PolyPhen-2: "Not Available"; Align-GVGD: "Class C0"). In summary, the available evidence is currently insufficient to determine the role of this variant in disease. Therefore, it has been classified as a Variant of Uncertain Significance.